The following is an entry in ClinVar:

ClinVar aggregate classification (germline): Conflicting classifications of pathogenicity. Review status: criteria provided, conflicting classifications (1 of 4 stars). 4 submissions from 4 submitters: Uncertain significance (1); Benign (1); Likely benign (2). Last evaluated 2024-06-09.

Conditions:
Hereditary cancer-predisposing syndrome. Also called: Tumor predisposition; Neoplastic Syndromes, Hereditary; Hereditary Cancer Syndrome; Hereditary neoplastic syndrome. Identifiers: Orphanet 140162, MedGen C0027672, MeSH D009386, MONDO:0015356.
Microcephaly, normal intelligence and immunodeficiency (NBS). Also called: BERLIN BREAKAGE SYNDROME; Ataxia telangiectasia variant V1; IMMUNODEFICIENCY, MICROCEPHALY, AND CHROMOSOMAL INSTABILITY; SEEMANOVA SYNDROME II; Immunodeficiency, microcephaly with normal intelligence; Nijmegen breakage syndrome. Identifiers: Orphanet 647, MedGen C0398791, MONDO:0009623, OMIM 251260.
Hereditary breast ovarian cancer syndrome. Also called: Hereditary breast and ovarian cancer; Hereditary breast and ovarian cancer syndrome (HBOC); Hereditary breast and/or ovarian cancer syndrome; Hereditary breast and ovarian cancer syndrome; Breast and ovarian cancer; BRCA1- and BRCA2-Associated Hereditary Breast and Ovarian Cancer. Identifiers: Orphanet 145, MedGen C0677776, MeSH D061325, MONDO:0003582. Disease mechanism: loss of function.

Allele frequency attached by ClinVar (database versions not stated): gnomAD exomes below 0.00001; gnomAD 0.00001; TOPMed 0.00001.

Submissions (4):

Labcorp Genetics (formerly Invitae), Labcorp
Classification: Likely benign for Microcephaly, normal intelligence and immunodeficiency. Last evaluated: 2024-06-09. Review status: criteria provided, single submitter. Criteria: Invitae Variant Classification Sherloc (09022015). Collection method: clinical testing. Allele origin: germline.

National Health Laboratory Service, Universitas Academic Hospital and University of the Free State
Classification: Benign for Hereditary breast ovarian cancer syndrome. Last evaluated: 2022-04-19. Review status: criteria provided, single submitter. Criteria: ACMG Guidelines, 2015. Collection method: clinical testing. Allele origin: germline. Affected: yes. Observed: 1 variant allele.

Sema4
Classification: Uncertain significance for Hereditary cancer-predisposing syndrome. Last evaluated: 2021-05-14. Review status: criteria provided, single submitter. Criteria: Sema4 Curation Guidelines. Collection method: curation. Allele origin: germline.
Comment: The NBN c.297T>C (p.F99=) variant has not been reported in the literature to our knowledge. It was not observed in the large and broad cohorts of the Genome Aggregation Database (PMID: 32461654). The variant has been reported in ClinVar (Variation ID: 627967). In silico splicing prediction tools do not suggest an impact to splicing, though these predictions have not been confirmed by functional studies. The evidence is insufficient to meet ACMG/AMP criteria for classifying the variant as benign or pathogenic. Thus, the clinical significance of this variant is currently uncertain.

Ambry Genetics
Classification: Likely benign for Hereditary cancer-predisposing syndrome. Last evaluated: 2019-10-08. Review status: criteria provided, single submitter. Criteria: Ambry Variant Classification Scheme 2023. Collection method: clinical testing. Allele origin: germline.

NM_002485.5(NBN):c.297T>C (p.Phe99=)

Gene: NBN (nibrin; minus strand). Cytogenetic location: 8q21.3.
Variant type: single nucleotide variant.
Coding change: c.297T>C on transcript NM_002485.5 (MANE Select); coding-DNA position 297, T replaced by C.
Protein change: p.Phe99=; no amino-acid change (phenylalanine 99 retained).
Molecular consequence: synonymous variant.
Genome position (GRCh38, 1-based): chr8:89,981,398, A>G on the plus strand (T>C on the coding strand, the complement: NBN is on the minus strand). VCF-style: chr8-89981398-A-G. GRCh37 (hg19) VCF-style: chr8-90993626-A-G.
Other names: NP_002476.2:p.Phe99=; c.51T>C, p.Phe17= (NM_001024688.3).
Identifiers: ClinVar variation 627967 (VCV000627967.17), dbSNP rs1563580668, ClinGen allele CA461831436.